The following is an entry in ClinVar:

NM_000216.4(ANOS1):c.1948delinsCG (p.Phe650fs)

Gene: ANOS1 (anosmin 1; minus strand). Cytogenetic location: Xp22.31.
Variant type: Indel.
Coding change: c.1948delinsCG on transcript NM_000216.4 (MANE Select); coding-DNA position 1948, T replaced by CG.
Protein change: p.Phe650fs; shifts the reading frame from phenylalanine 650.
Molecular consequence: frameshift variant.
Genome position (GRCh38, 1-based): chrX:8,534,355, A replaced by CG on the plus strand (T replaced by CG on the coding strand, the reverse complement: ANOS1 is on the minus strand). VCF-style: chrX-8534355-A-CG. GRCh37 (hg19) VCF-style: chrX-8502396-A-CG.
Other names: short protein forms F650fs.
Identifiers: ClinVar variation 3256568 (VCV003256568.1).

ClinVar aggregate classification (germline): Likely pathogenic (1 of 4 stars; one submission).

Conditions:
Hypogonadotropic hypogonadism 1 with or without anosmia (HH1). Also called: Kallmann syndrome, type 1, X-linked; DYSPLASIA OLFACTOGENITALIS OF DE MORSIER; HYPOGONADOTROPIC HYPOGONADISM 1 WITH ANOSMIA; HYPOGONADOTROPIC HYPOGONADISM AND ANOSMIA; KAL1-Related GnRH Deficiency (Kallmann Syndrome 1; Kallmann Syndrome, X-Linked); Hypogonadotropic hypogonadism 1 with or without anosmia (Kallmann syndrome 1). Identifiers: Orphanet 478, MedGen C1563719, MONDO:0010635, OMIM 308700. Disease mechanism: loss of function.

Submission:

Laboratory of Medical Genetics, National & Kapodistrian University of Athens
Classification: Likely pathogenic for Hypogonadotropic hypogonadism 1 with or without anosmia. Last evaluated: 2023-09-18. Review status: criteria provided, single submitter. Criteria: ACMG Guidelines, 2015. Collection method: clinical testing. Allele origin: germline. Affected: yes.
Comment: PVS1, PM2 - The variant is expected to result in an absent or disrupted protein product. Low frequency in gnomAD population databases.